The following is an entry in ClinVar:

ClinVar aggregate classification (germline): Uncertain significance. Review status: criteria provided, multiple submitters, no conflicts (2 of 4 stars). 2 submissions from 2 submitters: Uncertain significance (2). Last evaluated 2026-08-03.

Conditions:
NRP2-related disorder. Also called: NRP2-related condition.

Allele frequency attached by ClinVar (database versions not stated): gnomAD 0.00002; TOPMed 0.00002; ExAC 0.00004; ESP Exome Variant Server 0.00008.
gnomAD v4.1: 28 of 1,613,866 alleles (0.0017%); highest among the groups gnomAD compares: African/African-American, 0.0027%; no homozygotes.

Submissions (2):

PreventionGenetics, part of Exact Sciences
Classification: Uncertain significance for NRP2-related condition. Last evaluated: 2026-08-03. Review status: criteria provided, single submitter. Criteria: ACMG Guidelines, 2015. Collection method: clinical testing. Allele origin: germline.
Comment: The NRP2 c.418G>C variant is predicted to result in the amino acid substitution p.Glu140Gln. To our knowledge, this variant has not been reported in the literature. This variant is reported in 0.0053% of alleles in individuals of European (Non-Finnish) descent in gnomAD. At this time, the clinical significance of this variant is uncertain due to the absence of conclusive functional and genetic evidence.

Ambry Genetics
Classification: Uncertain significance. Last evaluated: 2025-08-26. Review status: criteria provided, single submitter. Criteria: Ambry Variant Classification Scheme 2023. Collection method: clinical testing. Allele origin: germline.

NM_003872.3(NRP2):c.418G>C (p.Glu140Gln)

Gene: NRP2 (neuropilin 2; plus strand). Cytogenetic location: 2q33.3.
Variant type: single nucleotide variant.
Coding change: c.418G>C on transcript NM_003872.3 (MANE Select); coding-DNA position 418, G replaced by C.
Protein change: p.Glu140Gln; replaces glutamic acid 140 with glutamine.
Molecular consequence: missense variant.
Genome position (GRCh38, 1-based): chr2:205,716,359, G>C. VCF-style: chr2-205716359-G-C. GRCh37 (hg19) VCF-style: chr2-206581083-G-C.
Other names: c.418G>C, p.Glu140Gln (NM_018534.4, NM_201264.2, NM_201266.2 and 2 more transcripts); short protein forms E140Q.
Identifiers: ClinVar variation 2519412 (VCV002519412.5), dbSNP rs150835990, ClinGen allele CA2068797.